The following is an entry in ClinVar:

NM_024675.4(PALB2):c.1882A>G (p.Lys628Glu)

Gene: PALB2 (partner and localizer of BRCA2; minus strand). Cytogenetic location: 16p12.2.
Variant type: single nucleotide variant.
Coding change: c.1882A>G on transcript NM_024675.4 (MANE Select); coding-DNA position 1882, A replaced by G.
Protein change: p.Lys628Glu; replaces lysine 628 with glutamic acid.
Molecular consequence: missense variant. On other transcripts: intron variant (1).
Genome position (GRCh38, 1-based): chr16:23,630,272, T>C on the plus strand (A>G on the coding strand, the complement: PALB2 is on the minus strand). VCF-style: chr16-23630272-T-C. GRCh37 (hg19) VCF-style: chr16-23641593-T-C.
Other names: c.1822A>G, p.Lys608Glu (NM_001407296.1); c.1882A>G, p.Lys628Glu (NM_001407297.1, NM_001407298.1, NM_001407299.1 and 3 more transcripts); c.997A>G, p.Lys333Glu (NM_001407304.1, NM_001407305.1, NM_001407306.1 and 5 more transcripts); c.94A>G, p.Lys32Glu (NM_001407312.1, NM_001407313.1); c.49-997A>G (NM_001407314.1); short protein forms K32E, K333E, K608E, K628E.
Identifiers: ClinVar variation 3227998 (VCV003227998.1), dbSNP rs1597090894, ClinGen allele CA395127648.
Genomic context (GRCh38, chr16:23,630,272, plus strand): 5'-GATGTCTCTCTCCAAACATTTTTGACTCAAAGGGCTCCACTGGTTTTTCTGAGCAGGACT[T>C]CACTTTTTCAAGCTTAAGAGGTCCAAAGTCTTCATCAGGTAACTGAAAGTCTGTGATACT-3'
Protein context (NP_078951.2, residues 618-638): DFGPLKLEKV[Lys628Glu]SCSEKPVEPF

ClinVar aggregate classification (germline): Uncertain significance (1 of 4 stars; one submission).

Conditions:
Hereditary cancer-predisposing syndrome. Also called: Neoplastic Syndromes, Hereditary; Tumor predisposition; Hereditary neoplastic syndrome; Hereditary Cancer Syndrome. Identifiers: Orphanet 140162, MedGen C0027672, MeSH D009386, MONDO:0015356.

Submission:

Ambry Genetics
Classification: Uncertain significance for Hereditary cancer-predisposing syndrome. Last evaluated: 2023-12-31. Review status: criteria provided, single submitter. Criteria: Ambry Variant Classification Scheme 2023. Collection method: clinical testing. Allele origin: germline.
Comment: The p.K628E variant (also known as c.1882A>G), located in coding exon 5 of the PALB2 gene, results from an A to G substitution at nucleotide position 1882. The lysine at codon 628 is replaced by glutamic acid, an amino acid with similar properties. This amino acid position is conserved. In addition, this alteration is predicted to be tolerated by in silico analysis. Since supporting evidence is limited at this time, the clinical significance of this alteration remains unclear.